The following is an entry in ClinVar:

NM_000179.3(MSH6):c.3728del (p.Thr1243fs)

Gene: MSH6 (mutS homolog 6; plus strand). Cytogenetic location: 2p16.3.
Variant type: Deletion.
Coding change: c.3728del on transcript NM_000179.3 (MANE Select); coding-DNA position 3728, one base deleted (C; older notation c.3728delC).
Protein change: p.Thr1243fs; shifts the reading frame from threonine 1243.
Molecular consequence: frameshift variant. On other transcripts: non-coding transcript variant (5).
Genome position (GRCh38, 1-based): chr2:47,806,285, C deleted. VCF-style (leftmost placement, unchanged base first): chr2-47806284-AC-A. GRCh37 (hg19) VCF-style: chr2-48033423-AC-A.
Other names: c.3338del, p.Thr1113fs (NM_001281492.2); c.2822del, p.Thr941fs (NM_001281493.2, NM_001281494.2, NM_001406811.1 and 6 more transcripts); c.3824del, p.Thr1275fs (NM_001406795.1, NM_001406802.1); c.3728del, p.Thr1243fs (NM_001406796.1, NM_001406800.1, NM_001406808.1 and 1 more transcripts); c.3431del, p.Thr1144fs (NM_001406797.1, NM_001406801.1, NM_001406805.1 and 10 more transcripts); c.3554del, p.Thr1185fs (NM_001406798.1); c.3203del, p.Thr1068fs (NM_001406799.1, NM_001406806.1, NM_001406807.1); c.2864del, p.Thr955fs (NM_001406803.1); and 7 more; short protein forms T1068fs, T1113fs, T1144fs, T1185fs, T1187fs, T1217fs, T1243fs, T1245fs.
Identifiers: ClinVar variation 2673748 (VCV002673748.1), dbSNP rs2530843597, ClinGen allele CA2695200608.

ClinVar aggregate classification (germline): Pathogenic (1 of 4 stars; one submission).

Conditions:
Lynch syndrome 5 (LYNCH5). Also called: Colorectal cancer, hereditary nonpolyposis, type 5; Hereditary non-polyposis colorectal cancer, type 5. Identifiers: Orphanet 144, MedGen C1833477, MONDO:0013710, OMIM 614350. Disease mechanism: loss of function.

Submission:

Myriad Genetics, Inc.
Classification: Pathogenic for Lynch syndrome 5. Last evaluated: 2023-08-25. Review status: criteria provided, single submitter. Criteria: Myriad Autosomal Dominant, Autosomal Recessive and X-Linked Classification Criteria (2023). Collection method: clinical testing. Allele origin: unknown.
Comment: This variant is considered pathogenic. This variant creates a frameshift predicted to result in premature protein truncation.